The following is an entry in ClinVar:

ClinVar aggregate classification (germline): Uncertain significance. Review status: criteria provided, multiple submitters, no conflicts (2 of 4 stars). 4 submissions from 4 submitters: Uncertain significance (4). Last evaluated 2024-12-28.

Conditions:
Inborn genetic diseases. Identifiers: MedGen C0950123, MeSH D030342.

gnomAD v4.1: 24 of 1,614,090 alleles (0.0015%); highest among the groups gnomAD compares: South Asian, 0.0055%; no homozygotes.

Submissions (4):

Ambry Genetics
Classification: Uncertain significance for Inborn genetic diseases. Last evaluated: 2024-12-28. Review status: criteria provided, single submitter. Criteria: Ambry Variant Classification Scheme 2023. Collection method: clinical testing. Allele origin: germline.

Labcorp Genetics (formerly Invitae), Labcorp
Classification: Uncertain significance. Last evaluated: 2022-10-17. Review status: criteria provided, single submitter. Criteria: Invitae Variant Classification Sherloc (09022015). Collection method: clinical testing. Allele origin: germline.
Comment: This sequence change replaces arginine, which is basic and polar, with cysteine, which is neutral and slightly polar, at codon 122 of the ERCC6 protein (p.Arg122Cys). This variant is present in population databases (no rsID available, gnomAD 0.003%). This variant has not been reported in the literature in individuals affected with ERCC6-related conditions. ClinVar contains an entry for this variant (Variation ID: 596157). Advanced modeling of protein sequence and biophysical properties (such as structural, functional, and spatial information, amino acid conservation, physicochemical variation, residue mobility, and thermodynamic stability) performed at Invitae indicates that this missense variant is not expected to disrupt ERCC6 protein function. In summary, the available evidence is currently insufficient to determine the role of this variant in disease. Therefore, it has been classified as a Variant of Uncertain Significance.

AiLife Diagnostics
Classification: Uncertain significance. Last evaluated: 2021-07-23. Review status: criteria provided, single submitter. Criteria: ACMG Guidelines, 2015. Collection method: clinical testing. Allele origin: germline. Affected: yes. Observed: 1 variant allele.

Eurofins Ntd Llc (ga)
Classification: Uncertain significance. Last evaluated: 2018-03-02. Review status: criteria provided, single submitter. Criteria: EGL ClinVar v180209 classification definitions. Collection method: clinical testing. Allele origin: germline. Observed: 1 variant allele, 1 heterozygote.

NM_000124.4(ERCC6):c.364C>T (p.Arg122Cys)

Gene: ERCC6 (ERCC excision repair 6, chromatin remodeling factor; minus strand). Cytogenetic location: 10q11.23.
Variant type: single nucleotide variant.
Coding change: c.364C>T on transcript NM_000124.4 (MANE Select); coding-DNA position 364, C replaced by T.
Protein change: p.Arg122Cys; replaces arginine 122 with cysteine.
Molecular consequence: missense variant.
Genome position (GRCh38, 1-based): chr10:49,532,601, G>A on the plus strand (C>T on the coding strand, the complement: ERCC6 is on the minus strand). VCF-style: chr10-49532601-G-A. GRCh37 (hg19) VCF-style: chr10-50740647-G-A.
Other names: c.364C>T, p.Arg122Cys (NM_001277058.2, NM_001277059.2, NM_001346440.2); c.364C>T (NM_000124.2); short protein forms R122C.
Identifiers: ClinVar variation 596157 (VCV000596157.8), dbSNP rs374014916, ClinGen allele CA376712121.